The following is an entry in ClinVar:

ClinVar aggregate classification (germline): Pathogenic/Likely pathogenic. Review status: criteria provided, multiple submitters, no conflicts (2 of 4 stars). 2 submissions from 2 submitters: Pathogenic (1); Likely pathogenic (1). Last evaluated 2025-08-21.

Conditions:
Developmental and epileptic encephalopathy, 31A. Also called: Epileptic encephalopathy, early infantile, 31; Developmental and epileptic encephalopathy, 31. Identifiers: Orphanet 2382, MedGen C4225357, MONDO:0014598, OMIM 616346.

Submissions (2):

Labcorp Genetics (formerly Invitae), Labcorp
Classification: Pathogenic for Developmental and epileptic encephalopathy, 31A. Last evaluated: 2025-08-21. Review status: criteria provided, single submitter. Criteria: Invitae Variant Classification Sherloc (09022015). Collection method: clinical testing. Allele origin: germline.
Comment: This sequence change replaces glutamine, which is neutral and polar, with arginine, which is basic and polar, at codon 148 of the DNM1 protein (p.Gln148Arg). This variant is not present in population databases (gnomAD no frequency). This missense change has been observed in individual(s) with epilepsy, psychomotor retardation and hypotonia (PMID: 27806796). In at least one individual the variant was observed to be de novo. ClinVar contains an entry for this variant (Variation ID: 542676). Invitae Evidence Modeling of protein sequence and biophysical properties (such as structural, functional, and spatial information, amino acid conservation, physicochemical variation, residue mobility, and thermodynamic stability) indicates that this missense variant is expected to disrupt DNM1 protein function with a positive predictive value of 80%. For these reasons, this variant has been classified as Pathogenic.

Dasa
Classification: Likely pathogenic for Developmental and epileptic encephalopathy, 31A. Last evaluated: 2022-02-05. Review status: criteria provided, single submitter. Criteria: ACMG Guidelines, 2015. Collection method: clinical testing. Allele origin: germline. Affected: yes. Observed: 1 variant allele.
Comment: The c.443A>G;p.(Gln148Arg) missense variant has been observed in affected individual(s) and ClinVar contains an entry for this variant (Clinvar ID: 542676; PMID: 27806796; 31920647) - PS4_supporting. This variant is not present in population databases (rs1554772959; gnomAD; ABraOM no frequency) - PM2. Pathogenic missense variant in this residue have been reported (Clivar ID: 495249- c.442C>A (p.Gln148Lys)) - PM5. Missense variant in DNM1 that has a low rate of benign missense variation and in which missense variants are a common mechanism of disease - PP2. Multiple lines of computational evidence support a deleterious effect on the gene or gene product - PP3. In summary, the currently available evidence indicates that the variant is likely pathogenic.

Literature cited by the submitters: PubMed 27806796 (cited by Labcorp Genetics (formerly Invitae), Labcorp and Dasa); PubMed 31920647 (cited by Dasa).

NM_004408.4(DNM1):c.443A>G (p.Gln148Arg)

Genes: DNM1 (dynamin 1; plus strand), LOC113839516 (Sharpr-MPRA regulatory region 8497; plus strand). Cytogenetic location: 9q34.11.
Variant type: single nucleotide variant.
Coding change: c.443A>G on transcript NM_004408.4 (MANE Select); coding-DNA position 443, A replaced by G.
Protein change: p.Gln148Arg; replaces glutamine 148 with arginine.
Molecular consequence: missense variant.
Genome position (GRCh38, 1-based): chr9:128,219,106, A>G. VCF-style: chr9-128219106-A-G. GRCh37 (hg19) VCF-style: chr9-130981385-A-G.
Other names: c.443A>G, p.Gln148Arg (NM_001005336.3, NM_001288737.2, NM_001288738.2 and 1 more transcripts); short protein forms Q148R.
Identifiers: ClinVar variation 542676 (VCV000542676.12), dbSNP rs1554772959, ClinGen allele CA375010989.